The following is an entry in ClinVar:

ClinVar aggregate classification (germline): Uncertain significance (1 of 4 stars; one submission).

Submission:

CeGaT Center for Human Genetics Tuebingen
Classification: Uncertain significance. Last evaluated: 2026-06-01. Review status: criteria provided, single submitter. Criteria: CeGaT Center For Human Genetics Tuebingen Variant Classification Criteria Version 2. Collection method: clinical testing. Allele origin: germline. Affected: yes. Observed: 1 variant allele.
Comment: SETD1B: PM2:Supporting, PP2, PP3

NM_001353345.2(SETD1B):c.5666A>G (p.Asp1889Gly)

Gene: SETD1B (SET domain containing 1B, histone lysine methyltransferase; plus strand). Cytogenetic location: 12q24.31.
Variant type: single nucleotide variant.
Coding change: c.5666A>G on transcript NM_001353345.2 (MANE Select); coding-DNA position 5666, A replaced by G.
Protein change: p.Asp1889Gly; replaces aspartic acid 1889 with glycine.
Molecular consequence: missense variant.
Genome position (GRCh38, 1-based): chr12:121,828,009, A>G. VCF-style: chr12-121828009-A-G. GRCh37 (hg19) VCF-style: chr12-122265915-A-G.
Other names: short protein forms D1889G.
Identifiers: ClinVar variation 4875057 (VCV004875057.2).
Genomic context (GRCh38, chr12:121,828,009, plus strand): 5'-GGGAGAAGCGTTATGAGGACGAGGGCATCGGGAGCAGCTACATGTTCCGGGTGGACCATG[A>G]CACCATCATCGACGCCACCAAGTGCGGCAACTTCGCGCGCTTCATCAACCACAGCTGCAA-3'
Protein context (NP_001340274.1, residues 1879-1899): GSSYMFRVDH[Asp1889Gly]TIIDATKCGN